The following is an entry in ClinVar:

ClinVar aggregate classification (germline): Conflicting classifications of pathogenicity. Review status: criteria provided, conflicting classifications (1 of 4 stars). 5 submissions from 5 submitters: Uncertain significance (3); Likely benign (1). 1 of the submissions does not count toward it. Last evaluated 2025-04-23.

Conditions:
Inborn genetic diseases. Identifiers: MedGen C0950123, MeSH D030342.
PRDM16-related disorder. Also called: PRDM16-related condition.
Left ventricular noncompaction 8 (LVNC8). Identifiers: Orphanet 154, Orphanet 54260, MedGen C3809288, MONDO:0014152, OMIM 615373.

Allele frequency attached by ClinVar (database versions not stated): gnomAD 0.00004 and 0.00005; gnomAD exomes 0.00006 and 0.00013; TOPMed 0.00010; ExAC 0.00018; 1000 Genomes Project 30x 0.00031.
gnomAD v4.1: 102 of 1,613,490 alleles (0.0063%); highest among the groups gnomAD compares: East Asian, 0.1%; no homozygotes.

Submissions (5):

Labcorp Genetics (formerly Invitae), Labcorp
Classification: Uncertain significance for Left ventricular noncompaction 8. Last evaluated: 2025-04-23. Review status: criteria provided, single submitter. Criteria: Invitae Variant Classification Sherloc (09022015). Collection method: clinical testing. Allele origin: germline.
Comment: This sequence change replaces valine, which is neutral and non-polar, with methionine, which is neutral and non-polar, at codon 879 of the PRDM16 protein (p.Val879Met). This variant is present in population databases (rs746861136, gnomAD 0.1%), and has an allele count higher than expected for a pathogenic variant. This variant has not been reported in the literature in individuals affected with PRDM16-related conditions. ClinVar contains an entry for this variant (Variation ID: 432243). An algorithm developed to predict the effect of missense changes on protein structure and function (PolyPhen-2) suggests that this variant is likely to be disruptive. In summary, the available evidence is currently insufficient to determine the role of this variant in disease. Therefore, it has been classified as a Variant of Uncertain Significance.

Ambry Genetics
Classification: Uncertain significance for Inborn genetic diseases. Last evaluated: 2024-11-10. Review status: criteria provided, single submitter. Criteria: Ambry Variant Classification Scheme 2023. Collection method: clinical testing. Allele origin: germline.

Blueprint Genetics
Classification: Likely benign. Last evaluated: 2024-03-04. Review status: criteria provided, single submitter. Criteria: ACMG Guidelines, 2015. Collection method: clinical testing. Allele origin: germline.

GeneDx
Classification: Uncertain significance. Last evaluated: 2019-12-23. Review status: criteria provided, single submitter. Criteria: GeneDx Variant Classification Process June 2021. Collection method: clinical testing. Allele origin: germline. Affected: yes.
Comment: Has not been previously published in association with cardiomyopathy as pathogenic or benign to our knowledge; In silico analysis, which includes protein predictors and evolutionary conservation, supports that this variant does not alter protein structure/function; Reported in ClinVar but additional evidence is not available (ClinVar Variant ID# 432243; Landrum et al., 2016); This variant is associated with the following publications: (PMID: 25080476)

PreventionGenetics, part of Exact Sciences
Classification: Likely benign for PRDM16-related condition. Last evaluated: 2024-08-27. Review status: no assertion criteria provided. Collection method: clinical testing. Allele origin: germline. Not counted in ClinVar's aggregate classification.
Comment: This variant is classified as likely benign based on ACMG/AMP sequence variant interpretation guidelines (Richards et al. 2015 PMID: 25741868, with internal and published modifications).

NM_022114.4(PRDM16):c.2635G>A (p.Val879Met)

Gene: PRDM16 (PR/SET domain 16; plus strand). Cytogenetic location: 1p36.32.
Variant type: single nucleotide variant.
Coding change: c.2635G>A on transcript NM_022114.4 (MANE Select); coding-DNA position 2635, G replaced by A.
Protein change: p.Val879Met; replaces valine 879 with methionine.
Molecular consequence: missense variant.
Genome position (GRCh38, 1-based): chr1:3,414,591, G>A. VCF-style: chr1-3414591-G-A. GRCh37 (hg19) VCF-style: chr1-3331155-G-A.
Other names: c.2635G>A, p.Val879Met (NM_199454.3); short protein forms V879M.
Identifiers: ClinVar variation 432243 (VCV000432243.17), dbSNP rs746861136, ClinGen allele CA544552.